The following is an entry in ClinVar:

NM_006231.4(POLE):c.808G>T (p.Val270Leu)

Gene: POLE (DNA polymerase epsilon, catalytic subunit; minus strand). Cytogenetic location: 12q24.33.
Variant type: single nucleotide variant.
Coding change: c.808G>T on transcript NM_006231.4 (MANE Select); coding-DNA position 808, G replaced by T.
Protein change: p.Val270Leu; replaces valine 270 with leucine.
Molecular consequence: missense variant.
Genome position (GRCh38, 1-based): chr12:132,676,647, C>A on the plus strand (G>T on the coding strand, the complement: POLE is on the minus strand). VCF-style: chr12-132676647-C-A. GRCh37 (hg19) VCF-style: chr12-133253233-C-A.
Other names: short protein forms V270L.
Identifiers: ClinVar variation 2702804 (VCV002702804.3), dbSNP rs374237142, ClinGen allele CA387364375.

ClinVar aggregate classification (germline): Uncertain significance (1 of 4 stars; one submission).

Submission:

Labcorp Genetics (formerly Invitae), Labcorp
Classification: Uncertain significance. Last evaluated: 2023-12-13. Review status: criteria provided, single submitter. Criteria: Invitae Variant Classification Sherloc (09022015). Collection method: clinical testing. Allele origin: germline.
Comment: This sequence change replaces valine, which is neutral and non-polar, with leucine, which is neutral and non-polar, at codon 270 of the POLE protein (p.Val270Leu). This variant is not present in population databases (gnomAD no frequency). This variant has not been reported in the literature in individuals affected with POLE-related conditions. Advanced modeling of protein sequence and biophysical properties (such as structural, functional, and spatial information, amino acid conservation, physicochemical variation, residue mobility, and thermodynamic stability) performed at Invitae indicates that this missense variant is not expected to disrupt POLE protein function with a negative predictive value of 80%. In summary, the available evidence is currently insufficient to determine the role of this variant in disease. Therefore, it has been classified as a Variant of Uncertain Significance.